The following is an entry in ClinVar:

ClinVar aggregate classification (germline): Likely benign. Review status: criteria provided, multiple submitters, no conflicts (2 of 4 stars). 4 submissions from 4 submitters: Likely benign (3). 1 of the submissions does not count toward it. Last evaluated 2025-08-09.

Conditions:
RAI1-related disorder. Also called: RAI1-related condition.

Allele frequency attached by ClinVar (database versions not stated): gnomAD 0.00001; gnomAD exomes 0.00001 and 0.00002; ExAC 0.00003; TOPMed 0.00003.
gnomAD v4.1: 18 of 1,612,320 alleles (0.0011%); highest among the groups gnomAD compares: Non-Finnish European, 0.0014%; no homozygotes.

Submissions (4):

Labcorp Genetics (formerly Invitae), Labcorp
Classification: Likely benign. Last evaluated: 2025-08-09. Review status: criteria provided, single submitter. Criteria: Invitae Variant Classification Sherloc (09022015). Collection method: clinical testing. Allele origin: germline.

Blueprint Genetics
Classification: Likely benign. Last evaluated: 2024-01-11. Review status: criteria provided, single submitter. Criteria: ACMG Guidelines, 2015. Collection method: clinical testing. Allele origin: germline.

CeGaT Center for Human Genetics Tuebingen
Classification: Likely benign. Last evaluated: 2024-01-01. Review status: criteria provided, single submitter. Criteria: CeGaT Center For Human Genetics Tuebingen Variant Classification Criteria Version 2. Collection method: clinical testing. Allele origin: germline. Affected: yes. Observed: 1 variant allele.
Comment: RAI1: BP4, BP7

PreventionGenetics, part of Exact Sciences
Classification: Likely benign for RAI1-related condition. Last evaluated: 2019-04-27. Review status: no assertion criteria provided. Collection method: clinical testing. Allele origin: germline. Not counted in ClinVar's aggregate classification.
Comment: This variant is classified as likely benign based on ACMG/AMP sequence variant interpretation guidelines (Richards et al. 2015 PMID: 25741868, with internal and published modifications).

NM_030665.4(RAI1):c.1512G>A (p.Thr504=)

Gene: RAI1 (retinoic acid induced 1; plus strand). Cytogenetic location: 17p11.2.
Variant type: single nucleotide variant.
Coding change: c.1512G>A on transcript NM_030665.4 (MANE Select); coding-DNA position 1512, G replaced by A.
Protein change: p.Thr504=; no amino-acid change (threonine 504 retained).
Molecular consequence: synonymous variant.
Genome position (GRCh38, 1-based): chr17:17,794,460, G>A. VCF-style: chr17-17794460-G-A. GRCh37 (hg19) VCF-style: chr17-17697774-G-A.
Other names: c.1512G>A (NM_030665.3).
Identifiers: ClinVar variation 1577474 (VCV001577474.32), dbSNP rs750119897, ClinGen allele CA8418348.